The following is an entry in ClinVar:

ClinVar aggregate classification (germline): Uncertain significance (1 of 4 stars; one submission).

Allele frequency attached by ClinVar (database versions not stated): TOPMed 0.00002; gnomAD 0.00003; ExAC 0.00004; gnomAD exomes 0.00004; ESP Exome Variant Server 0.00008.
gnomAD v4.1: 45 of 1,599,982 alleles (0.0028%); highest among the groups gnomAD compares: Middle Eastern, 0.033%; 1 homozygote.

Submission:

Labcorp Genetics (formerly Invitae), Labcorp
Classification: Uncertain significance. Last evaluated: 2022-07-23. Review status: criteria provided, single submitter. Criteria: Invitae Variant Classification Sherloc (09022015). Collection method: clinical testing. Allele origin: germline.
Comment: This sequence change replaces arginine, which is basic and polar, with histidine, which is basic and polar, at codon 692 of the TBCK protein (p.Arg692His). This variant is present in population databases (rs376380860, gnomAD 0.02%). This variant has not been reported in the literature in individuals affected with TBCK-related conditions. ClinVar contains an entry for this variant (Variation ID: 1525750). Algorithms developed to predict the effect of missense changes on protein structure and function are either unavailable or do not agree on the potential impact of this missense change (SIFT: "Tolerated"; PolyPhen-2: "Possibly Damaging"; Align-GVGD: "Class C0"). In summary, the available evidence is currently insufficient to determine the role of this variant in disease. Therefore, it has been classified as a Variant of Uncertain Significance.

NM_001163435.3(TBCK):c.2075G>A (p.Arg692His)

Gene: TBCK (TBC1 domain containing kinase; minus strand). Cytogenetic location: 4q24.
Variant type: single nucleotide variant.
Coding change: c.2075G>A on transcript NM_001163435.3 (MANE Select); coding-DNA position 2075, G replaced by A.
Protein change: p.Arg692His; replaces arginine 692 with histidine.
Molecular consequence: missense variant.
Genome position (GRCh38, 1-based): chr4:106,171,255, C>T on the plus strand (G>A on the coding strand, the complement: TBCK is on the minus strand). VCF-style: chr4-106171255-C-T. GRCh37 (hg19) VCF-style: chr4-107092412-C-T.
Other names: c.2075G>A, p.Arg692His (NM_001163436.4); c.1958G>A, p.Arg653His (NM_001163437.3); c.1559G>A, p.Arg520His (NM_001290768.2); c.1886G>A, p.Arg629His (NM_033115.5); short protein forms R653H, R692H, R520H, R629H.
Identifiers: ClinVar variation 1525750 (VCV001525750.3), dbSNP rs376380860, ClinGen allele CA3034807.
Genomic context (GRCh38, chr4:106,171,255, plus strand): 5'-TGTCTGTAAGTAGCACTTTTAGGAGTCCAACAAAACAGGTTGATAGATTCTCTCACACAG[C>T]GTTCAATGTCAATTTCTAGATAGAAATGTTTTAAAAAAGCAAATGTATAGAATTTAGATT-3'
Protein context (NP_001156907.2, residues 682-702): FSDLPEIDIE[Arg692His]CVRESINLFC